The following is an entry in ClinVar:

NM_003579.4(RAD54L):c.921G>C (p.Gln307His)

Gene: RAD54L (RAD54 like; plus strand). Cytogenetic location: 1p34.1.
Variant type: single nucleotide variant.
Coding change: c.921G>C on transcript NM_003579.4 (MANE Select); coding-DNA position 921, G replaced by C.
Protein change: p.Gln307His; replaces glutamine 307 with histidine.
Molecular consequence: missense variant.
Genome position (GRCh38, 1-based): chr1:46,267,488, G>C. VCF-style: chr1-46267488-G-C. GRCh37 (hg19) VCF-style: chr1-46733160-G-C.
Other names: c.921G>C, p.Gln307His (NM_001142548.2); c.381G>C, p.Gln127His (NM_001370766.1); short protein forms Q127H, Q307H.
Identifiers: ClinVar variation 1766237 (VCV001766237.2), dbSNP rs2525690487, ClinGen allele CA340192108.

ClinVar aggregate classification (germline): Uncertain significance (1 of 4 stars; one submission).

Submission:

Ambry Genetics
Classification: Uncertain significance. Last evaluated: 2021-09-12. Review status: criteria provided, single submitter. Criteria: Ambry Variant Classification Scheme 2023. Collection method: clinical testing. Allele origin: germline.
Comment: The p.Q307H variant (also known as c.921G>C), located in coding exon 9 of the RAD54L gene, results from a G to C substitution at nucleotide position 921. The glutamine at codon 307 is replaced by histidine, an amino acid with highly similar properties. This amino acid position is conserved. In addition, this alteration is predicted to be deleterious by in silico analysis. Since supporting evidence is limited at this time, the clinical significance of this alteration remains unclear.